The following is an entry in ClinVar:

ClinVar aggregate classification (germline): Conflicting classifications of pathogenicity. Review status: criteria provided, conflicting classifications (1 of 4 stars). 2 submissions from 2 submitters: Uncertain significance (1); Likely benign (1). Last evaluated 2024-06-10.

Allele frequency attached by ClinVar (database versions not stated): gnomAD 0.00001; gnomAD exomes 0.00001; TOPMed 0.00002; ExAC 0.00004; ESP Exome Variant Server 0.00008; 1000 Genomes Project 0.00020; 1000 Genomes Project 30x 0.00031.
gnomAD v4.1: 20 of 1,613,898 alleles (0.0012%); highest among the groups gnomAD compares: Admixed American, 0.0067%; no homozygotes.

Submissions (2):

Ambry Genetics
Classification: Likely benign. Last evaluated: 2024-06-10. Review status: criteria provided, single submitter. Criteria: Ambry Variant Classification Scheme 2023. Collection method: clinical testing. Allele origin: germline.

Labcorp Genetics (formerly Invitae), Labcorp
Classification: Uncertain significance. Last evaluated: 2022-07-01. Review status: criteria provided, single submitter. Criteria: Invitae Variant Classification Sherloc (09022015). Collection method: clinical testing. Allele origin: germline.
Comment: Algorithms developed to predict the effect of missense changes on protein structure and function output the following: SIFT: "Tolerated"; PolyPhen-2: "Benign"; Align-GVGD: "Class C0". The histidine amino acid residue is found in multiple mammalian species, which suggests that this missense change does not adversely affect protein function. In summary, the available evidence is currently insufficient to determine the role of this variant in disease. Therefore, it has been classified as a Variant of Uncertain Significance. This variant has not been reported in the literature in individuals affected with ZDBF2-related conditions. This variant is present in population databases (rs367788805, gnomAD 0.006%). This sequence change replaces arginine, which is basic and polar, with histidine, which is basic and polar, at codon 1919 of the ZDBF2 protein (p.Arg1919His).

NM_020923.3(ZDBF2):c.5756G>A (p.Arg1919His)

Gene: ZDBF2 (zinc finger DBF-type containing 2; plus strand). Cytogenetic location: 2q33.3.
Variant type: single nucleotide variant.
Coding change: c.5756G>A on transcript NM_020923.3 (MANE Select); coding-DNA position 5756, G replaced by A.
Protein change: p.Arg1919His; replaces arginine 1919 with histidine.
Molecular consequence: missense variant.
Genome position (GRCh38, 1-based): chr2:206,310,284, G>A. VCF-style: chr2-206310284-G-A. GRCh37 (hg19) VCF-style: chr2-207175008-G-A.
Other names: c.5756G>A (NM_020923.1); c.5750G>A, p.Arg1917His (NM_001285549.2); c.5756G>A, p.Arg1919His (NM_001369654.1); short protein forms R1917H, R1919H.
Identifiers: ClinVar variation 1941022 (VCV001941022.6), dbSNP rs367788805, ClinGen allele CA2072524.